The following is an entry in ClinVar:

NM_012469.4(PRPF6):c.2616G>A (p.Ser872=)

Gene: PRPF6 (pre-mRNA processing factor 6; plus strand). Cytogenetic location: 20q13.33.
Variant type: single nucleotide variant.
Coding change: c.2616G>A on transcript NM_012469.4 (MANE Select); coding-DNA position 2616, G replaced by A.
Protein change: p.Ser872=; no amino-acid change (serine 872 retained).
Molecular consequence: synonymous variant.
Genome position (GRCh38, 1-based): chr20:64,031,987, G>A. VCF-style: chr20-64031987-G-A. GRCh37 (hg19) VCF-style: chr20-62663340-G-A.
Identifiers: ClinVar variation 708849 (VCV000708849.14), dbSNP rs139156198, ClinGen allele CA9972535.

ClinVar aggregate classification (germline): Benign/Likely benign. Review status: criteria provided, multiple submitters, no conflicts (2 of 4 stars). 4 submissions from 4 submitters: Benign (2); Likely benign (1). 1 of the submissions does not count toward it. Last evaluated 2025-12-25.

Conditions:
PRPF6-related disorder. Also called: PRPF6-related condition.

Allele frequency attached by ClinVar (database versions not stated): ExAC 0.00059; ESP Exome Variant Server 0.00200; TOPMed 0.00201; gnomAD 0.00210; 1000 Genomes Project 0.00280; 1000 Genomes Project 30x 0.00297.
gnomAD v4.1: 555 of 1,614,168 alleles (0.034%); highest among the groups gnomAD compares: African/African-American, 0.59%; 1 homozygote.

Submissions (4):

Labcorp Genetics (formerly Invitae), Labcorp
Classification: Benign. Last evaluated: 2025-12-25. Review status: criteria provided, single submitter. Criteria: Invitae Variant Classification Sherloc (09022015). Collection method: clinical testing. Allele origin: germline.

Blueprint Genetics
Classification: Likely benign. Last evaluated: 2024-11-12. Review status: criteria provided, single submitter. Criteria: ACMG Guidelines, 2015. Collection method: clinical testing. Allele origin: germline.

Breakthrough Genomics
Classification: Benign. Review status: criteria provided, single submitter. Criteria: ACMG Guidelines, 2015. Collection method: not provided. Allele origin: germline. Inheritance: Autosomal dominant inheritance. Affected: yes.

PreventionGenetics, part of Exact Sciences
Classification: Likely benign for PRPF6-related condition. Last evaluated: 2019-10-25. Review status: no assertion criteria provided. Collection method: clinical testing. Allele origin: germline. Not counted in ClinVar's aggregate classification.
Comment: This variant is classified as likely benign based on ACMG/AMP sequence variant interpretation guidelines (Richards et al. 2015 PMID: 25741868, with internal and published modifications).